The following is an entry in ClinVar:

NM_014806.5(RUSC2):c.4212-6C>A

Gene: RUSC2 (RUN and SH3 domain containing 2; plus strand). Cytogenetic location: 9p13.3.
Variant type: single nucleotide variant.
Coding change: c.4212-6C>A on transcript NM_014806.5 (MANE Select); 6 bases into the intron before coding-DNA position 4212, C replaced by A.
Molecular consequence: intron variant.
Genome position (GRCh38, 1-based): chr9:35,560,954, C>A. VCF-style: chr9-35560954-C-A. GRCh37 (hg19) VCF-style: chr9-35560951-C-A.
Other names: c.1578-6C>A (NM_001330740.2); c.4212-6C>A (NM_001135999.2, NM_001135999.1).
Identifiers: ClinVar variation 1632916 (VCV001632916.10), dbSNP rs770869478, ClinGen allele CA5044328.
Genomic context (GRCh38, chr9:35,560,954, plus strand): 5'-TGCTGTAAGCCAGGGCACGGGCAGAGCCCATCCTGGGCAGAGCCTGAGTCCAGCTGCTGT[C>A]CCTAGGCTCCCCTCGGACTGGCTGAGCCTGGACAAGTCCATGTTCCAACTAGTGGCGCAG-3'

ClinVar aggregate classification (germline): Benign. Review status: criteria provided, single submitter (1 of 4 stars). 2 submissions from 2 submitters: Benign (1). 1 of the submissions does not count toward it. Last evaluated 2025-06-22.

Conditions:
RUSC2-related disorder. Also called: RUSC2-related condition.

Allele frequency attached by ClinVar (database versions not stated): gnomAD 0.00004; gnomAD exomes 0.00007 and 0.00014; TOPMed 0.00007; ExAC 0.00008.
gnomAD v4.1: 114 of 1,612,852 alleles (0.0071%); highest among the groups gnomAD compares: Middle Eastern, 0.016%; no homozygotes.

Submissions (2):

Labcorp Genetics (formerly Invitae), Labcorp
Classification: Benign. Last evaluated: 2025-06-22. Review status: criteria provided, single submitter. Criteria: Invitae Variant Classification Sherloc (09022015). Collection method: clinical testing. Allele origin: germline.

PreventionGenetics, part of Exact Sciences
Classification: Likely benign for RUSC2-related condition. Last evaluated: 2022-02-17. Review status: no assertion criteria provided. Collection method: clinical testing. Allele origin: germline. Not counted in ClinVar's aggregate classification.
Comment: This variant is classified as likely benign based on ACMG/AMP sequence variant interpretation guidelines (Richards et al. 2015 PMID: 25741868, with internal and published modifications).